The following is an entry in ClinVar:

NM_001128126.3(AP4S1):c.306+4234A>G

Gene: AP4S1 (adaptor related protein complex 4 subunit sigma 1; plus strand). Cytogenetic location: 14q12.
Variant type: single nucleotide variant.
Coding change: c.306+4234A>G on transcript NM_001128126.3 (MANE Select); 4234 bases into the intron after coding-DNA position 306, A replaced by G.
Molecular consequence: intron variant. On other transcripts: missense variant (2), 3 prime UTR variant (1).
Genome position (GRCh38, 1-based): chr14:31,084,818, A>G. VCF-style: chr14-31084818-A-G. GRCh37 (hg19) VCF-style: chr14-31554024-A-G.
Other names: c.344A>G, p.Gln115Arg (NM_001254726.2); c.*88A>G (NM_001254727.2); c.416A>G, p.Gln139Arg (NM_007077.5); c.306+4234A>G (NM_001254729.2, NM_001254728.2); short protein forms Q139R, Q115R.
Identifiers: ClinVar variation 1397537 (VCV001397537.8), dbSNP rs1887843929, ClinGen allele CA389362908.
Genomic context (GRCh38, chr14:31,084,818, plus strand): 5'-GTTTTTTTTAGGAACCAATTGATGAACTTCCCAAAATATGCTCAGCCCTGGAGCCCCAGC[A>G]GACTTGCTTTTCTCCAGACAGTTCATCATTCAAAGGAGCTGCCTCCACCACCCCCATCTA-3'

ClinVar aggregate classification (germline): Uncertain significance (1 of 4 stars; one submission).

Conditions:
Spastic paraplegia. Identifiers: MedGen C0037772, HP:0001258.

Allele frequency attached by ClinVar (database versions not stated): gnomAD exomes below 0.00001; gnomAD 0.00001.
gnomAD v4.1: 3 of 1,614,092 alleles (0.00019%); highest among the groups gnomAD compares: African/African-American, 0.0027%; no homozygotes.

Submission:

Labcorp Genetics (formerly Invitae), Labcorp
Classification: Uncertain significance for Spastic paraplegia. Last evaluated: 2024-10-30. Review status: criteria provided, single submitter. Criteria: Invitae Variant Classification Sherloc (09022015). Collection method: clinical testing. Allele origin: germline.
Comment: This sequence change replaces glutamine, which is neutral and polar, with arginine, which is basic and polar, at codon 139 of the AP4S1 protein (p.Gln139Arg). This variant is not present in population databases (gnomAD no frequency). This variant has not been reported in the literature in individuals affected with AP4S1-related conditions. ClinVar contains an entry for this variant (Variation ID: 1397537). An algorithm developed to predict the effect of missense changes on protein structure and function (PolyPhen-2) suggests that this variant is likely to be tolerated. In summary, the available evidence is currently insufficient to determine the role of this variant in disease. Therefore, it has been classified as a Variant of Uncertain Significance.